The following is an entry in ClinVar:

NM_004360.5(CDH1):c.1914G>C (p.Trp638Cys)

Gene: CDH1 (cadherin 1; plus strand). Cytogenetic location: 16q22.1.
Variant type: single nucleotide variant.
Coding change: c.1914G>C on transcript NM_004360.5 (MANE Select); coding-DNA position 1914, G replaced by C.
Protein change: p.Trp638Cys; replaces tryptophan 638 with cysteine.
Molecular consequence: missense variant. On other transcripts: 5 prime UTR variant (1).
Genome position (GRCh38, 1-based): chr16:68,822,203, G>C. VCF-style: chr16-68822203-G-C. GRCh37 (hg19) VCF-style: chr16-68856106-G-C.
Other names: c.1914G>C (NM_004360.3); c.-52G>C (NM_001317186.2); c.1731G>C, p.Trp577Cys (NM_001317184.2); c.366G>C, p.Trp122Cys (NM_001317185.2); short protein forms W122C, W577C, W638C.
Identifiers: ClinVar variation 1343591 (VCV001343591.5), dbSNP rs1961170989, ClinGen allele CA396467240.

ClinVar aggregate classification (germline): Uncertain significance. Review status: criteria provided, multiple submitters, no conflicts (2 of 4 stars). 3 submissions from 3 submitters: Uncertain significance (3). Last evaluated 2024-11-07.

Conditions:
Hereditary cancer-predisposing syndrome. Also called: Hereditary Cancer Syndrome; Neoplastic Syndromes, Hereditary; Tumor predisposition; Hereditary neoplastic syndrome. Identifiers: Orphanet 140162, MedGen C0027672, MeSH D009386, MONDO:0015356.
Hereditary diffuse gastric adenocarcinoma (HDGC). Also called: DIFFUSE GASTRIC AND LOBULAR BREAST CANCER SYNDROME. Identifiers: Orphanet 26106, MedGen C1708349, MONDO:0007648, OMIM 137215.

Submissions (3):

Ambry Genetics
Classification: Uncertain significance for Hereditary cancer-predisposing syndrome. Last evaluated: 2024-11-07. Review status: criteria provided, single submitter. Criteria: Ambry Variant Classification Scheme 2023. Collection method: clinical testing. Allele origin: germline.
Comment: The p.W638C variant (also known as c.1914G>C), located in coding exon 12 of the CDH1 gene, results from a G to C substitution at nucleotide position 1914. The tryptophan at codon 638 is replaced by cysteine, an amino acid with highly dissimilar properties. This variant was detected in 1 of 1197 individuals with breast cancer who underwent genetic testing (Abdel-Razeq H et al. Front Oncol, 2022 Mar;12:673094). This amino acid position is highly conserved in available vertebrate species. In addition, this alteration is predicted to be deleterious by in silico analysis. Based on the available evidence, the clinical significance of this variant remains unclear.

Labcorp Genetics (formerly Invitae), Labcorp
Classification: Uncertain significance for Hereditary diffuse gastric adenocarcinoma. Last evaluated: 2022-11-23. Review status: criteria provided, single submitter. Criteria: Invitae Variant Classification Sherloc (09022015). Collection method: clinical testing. Allele origin: germline.
Comment: Algorithms developed to predict the effect of missense changes on protein structure and function (SIFT, PolyPhen-2, Align-GVGD) all suggest that this variant is likely to be disruptive. In summary, the available evidence is currently insufficient to determine the role of this variant in disease. Therefore, it has been classified as a Variant of Uncertain Significance. ClinVar contains an entry for this variant (Variation ID: 1343591). This variant has not been reported in the literature in individuals affected with CDH1-related conditions. This variant is not present in population databases (gnomAD no frequency). This sequence change replaces tryptophan, which is neutral and slightly polar, with cysteine, which is neutral and slightly polar, at codon 638 of the CDH1 protein (p.Trp638Cys).

Women's Health and Genetics/Laboratory Corporation of America, LabCorp
Classification: Uncertain significance. Last evaluated: 2022-02-22. Review status: criteria provided, single submitter. Criteria: LabCorp Variant Classification Summary - May 2015. Collection method: clinical testing. Allele origin: germline.
Comment: Variant summary: CDH1 c.1914G>C (p.Trp638Cys) results in a non-conservative amino acid change located in the Cadherin-like domain of the encoded protein sequence. Four of five in-silico tools predict a damaging effect of the variant on protein function. The variant was absent in 251480 control chromosomes. The available data on variant occurrences in the general population are insufficient to allow any conclusion about variant significance. To our knowledge, no occurrence of c.1914G>C in individuals affected with Breast Cancer and no experimental evidence demonstrating its impact on protein function have been reported. No clinical diagnostic laboratories have submitted clinical-significance assessments for this variant to ClinVar after 2014. Based on the evidence outlined above, the variant was classified as uncertain significance.

Literature cited by the submitters: PubMed 35402282 (cited by Ambry Genetics).